The following is an entry in ClinVar:

NM_001128840.3(CACNA1D):c.2414T>G (p.Ile805Ser)

Gene: CACNA1D (calcium voltage-gated channel subunit alpha1 D; plus strand). Cytogenetic location: 3p21.1.
Variant type: single nucleotide variant.
Coding change: c.2414T>G on transcript NM_001128840.3 (MANE Select); coding-DNA position 2414, T replaced by G.
Protein change: p.Ile805Ser; replaces isoleucine 805 with serine.
Molecular consequence: missense variant.
Genome position (GRCh38, 1-based): chr3:53,732,023, T>G. VCF-style: chr3-53732023-T-G. GRCh37 (hg19) VCF-style: chr3-53766050-T-G.
Other names: c.2474T>G, p.Ile825Ser (NM_000720.4); c.2414T>G, p.Ile805Ser (NM_001128839.3); short protein forms I805S, I825S.
Identifiers: ClinVar variation 1697059 (VCV001697059.5), dbSNP rs147933585, ClinGen allele CA353241014.

ClinVar aggregate classification (germline): Uncertain significance. Review status: criteria provided, multiple submitters, no conflicts (2 of 4 stars). 3 submissions from 3 submitters: Uncertain significance (3). Last evaluated 2025-10-29.

Conditions:
Inborn genetic diseases. Identifiers: MedGen C0950123, MeSH D030342.

gnomAD v4.1: 5 of 1,604,598 alleles (0.00031%); highest among the groups gnomAD compares: African/African-American, 0.0013%; no homozygotes.

Submissions (3):

Labcorp Genetics (formerly Invitae), Labcorp
Classification: Uncertain significance. Last evaluated: 2025-10-29. Review status: criteria provided, single submitter. Criteria: Invitae Variant Classification Sherloc (09022015). Collection method: clinical testing. Allele origin: germline.
Comment: This sequence change replaces isoleucine, which is neutral and non-polar, with serine, which is neutral and polar, at codon 825 of the CACNA1D protein (p.Ile825Ser). This variant is present in population databases (no rsID available, gnomAD 0.0009%). This variant has not been reported in the literature in individuals affected with CACNA1D-related conditions. ClinVar contains an entry for this variant (Variation ID: 1697059). Invitae Evidence Modeling of protein sequence and biophysical properties (such as structural, functional, and spatial information, amino acid conservation, physicochemical variation, residue mobility, and thermodynamic stability) indicates that this missense variant is not expected to disrupt CACNA1D protein function with a negative predictive value of 80%. In summary, the available evidence is currently insufficient to determine the role of this variant in disease. Therefore, it has been classified as a Variant of Uncertain Significance.

Ambry Genetics
Classification: Uncertain significance for Inborn genetic diseases. Last evaluated: 2025-08-27. Review status: criteria provided, single submitter. Criteria: Ambry Variant Classification Scheme 2023. Collection method: clinical testing. Allele origin: germline.

GeneDx
Classification: Uncertain significance. Last evaluated: 2022-01-17. Review status: criteria provided, single submitter. Criteria: GeneDx Variant Classification Process June 2021. Collection method: clinical testing. Allele origin: germline. Affected: yes.
Comment: Not observed at significant frequency in large population cohorts (gnomAD); In silico analysis supports that this missense variant has a deleterious effect on protein structure/function; Has not been previously published as pathogenic or benign to our knowledge